The following is an entry in ClinVar:

NC_000007.14:g.156763931T>G

Genes: LMBR1 (limb development membrane protein 1; minus strand), SHH (sonic hedgehog signaling molecule; minus strand). Cytogenetic location: 7q36.3.
Variant type: single nucleotide variant.
Molecular consequence: intron variant (on NM_022458.4).
Genome position: GRCh38 VCF-style: chr7-156763931-T-G. GRCh37 (hg19) VCF-style: chr7-156556625-T-G.
Other names: c.361-136A>C (NM_001363412.2); c.145-136A>C (NM_001350954.2); c.424-136A>C (NM_001363410.2, NM_022458.4, NM_001363409.2 and 1 more transcripts); c.-33-136A>C (NM_001350958.2, NM_001350956.2, NM_001350955.2 and 1 more transcripts); c.55-136A>C (NM_001350957.2, NM_001363411.2).
Identifiers: ClinVar variation 2783552 (VCV002783552.3), dbSNP rs1823608034, ClinGen allele CA1109180710.

ClinVar aggregate classification (germline): Uncertain significance (1 of 4 stars; one submission).

Conditions:
Holoprosencephaly 3 (HPE3). Identifiers: Orphanet 2162, MedGen C1840529, MONDO:0007733, OMIM 142945.

Allele frequency attached by ClinVar (database versions not stated): gnomAD 0.00001.
gnomAD v4.1: 3 of 575,122 alleles (0.00052%); highest among the groups gnomAD compares: Admixed American, 0.012%; no homozygotes.

Submission:

Labcorp Genetics (formerly Invitae), Labcorp
Classification: Uncertain significance for Holoprosencephaly 3. Last evaluated: 2023-08-24. Review status: criteria provided, single submitter. Criteria: Invitae Variant Classification Sherloc (09022015). Collection method: clinical testing. Allele origin: germline.
Comment: In summary, the available evidence is currently insufficient to determine the role of this variant in disease. Therefore, it has been classified as a Variant of Uncertain Significance. Experimental studies and prediction algorithms are not available or were not evaluated, and the effect of this variant on mRNA splicing is currently unknown. This variant has not been reported in the literature in individuals affected with SHH-related conditions. This variant is not present in population databases (gnomAD no frequency). This variant occurs in a non-coding region of the SHH gene. It does not change the encoded amino acid sequence of the SHH protein.